The following is an entry in ClinVar:

ClinVar aggregate classification (germline): Uncertain significance. Review status: criteria provided, multiple submitters, no conflicts (2 of 4 stars). 2 submissions from 2 submitters: Uncertain significance (2). Last evaluated 2026-07-05.

Conditions:
Alstrom syndrome (ALMS). Identifiers: Orphanet 64, MedGen C0268425, MONDO:0008763, OMIM 203800.
ALMS1-related disorder. Also called: ALMS1-related condition.

Allele frequency attached by ClinVar (database versions not stated): gnomAD exomes below 0.00001.
gnomAD v4.1: 1 of 1,614,160 alleles (0.000062%); highest among the groups gnomAD compares: East Asian, 0.0022%; no homozygotes.

Submissions (2):

PreventionGenetics, part of Exact Sciences
Classification: Uncertain significance for ALMS1-related condition. Last evaluated: 2026-07-05. Review status: criteria provided, single submitter. Criteria: ACMG Guidelines, 2015. Collection method: clinical testing. Allele origin: germline.
Comment: The ALMS1 c.10067A>T variant is predicted to result in the amino acid substitution p.Glu3356Val. To our knowledge, this variant has not been reported in the literature or in a large population database (gnomAD), indicating this variant is rare. At this time, the clinical significance of this variant is uncertain due to the absence of conclusive functional and genetic evidence.

Labcorp Genetics (formerly Invitae), Labcorp
Classification: Uncertain significance for Alstrom syndrome. Last evaluated: 2023-10-19. Review status: criteria provided, single submitter. Criteria: Invitae Variant Classification Sherloc (09022015). Collection method: clinical testing. Allele origin: germline.
Comment: This sequence change replaces glutamine, which is neutral and polar, with leucine, which is neutral and non-polar, at codon 3356 of the ALMS1 protein (p.Gln3356Leu). This variant is not present in population databases (gnomAD no frequency). This variant has not been reported in the literature in individuals affected with ALMS1-related conditions. Experimental studies and prediction algorithms are not available or were not evaluated, and the functional significance of this variant is currently unknown. In summary, the available evidence is currently insufficient to determine the role of this variant in disease. Therefore, it has been classified as a Variant of Uncertain Significance.

NM_001378454.1(ALMS1):c.10064A>T (p.Gln3355Leu)

Gene: ALMS1 (ALMS1 centrosome and basal body associated protein; plus strand). Cytogenetic location: 2p13.1.
Variant type: single nucleotide variant.
Coding change: c.10064A>T on transcript NM_001378454.1 (MANE Select); coding-DNA position 10064, A replaced by T.
Protein change: p.Gln3355Leu; replaces glutamine 3355 with leucine.
Molecular consequence: missense variant.
Genome position (GRCh38, 1-based): chr2:73,550,423, A>T. VCF-style: chr2-73550423-A-T. GRCh37 (hg19) VCF-style: chr2-73777550-A-T.
Other names: c.10067A>T, p.Gln3356Leu (NM_015120.4); short protein forms Q3355L, Q3356L.
Identifiers: ClinVar variation 2768215 (VCV002768215.4), dbSNP rs2466385972, ClinGen allele CA347272750.